The following is an entry in ClinVar:

ClinVar aggregate classification (germline): Uncertain significance (1 of 4 stars; one submission).

Conditions:
Kabuki syndrome. Also called: NIIKAWA-KUROKI SYNDROME; Kabuki make-up syndrome. Identifiers: Orphanet 2322, MedGen C0796004, MONDO:0016512.

Submission:

Labcorp Genetics (formerly Invitae), Labcorp
Classification: Uncertain significance for Kabuki syndrome. Last evaluated: 2025-02-09. Review status: criteria provided, single submitter. Criteria: Invitae Variant Classification Sherloc (09022015). Collection method: clinical testing. Allele origin: germline.
Comment: This sequence change replaces glycine, which is neutral and non-polar, with alanine, which is neutral and non-polar, at codon 4046 of the KMT2D protein (p.Gly4046Ala). This variant is not present in population databases (gnomAD no frequency). This variant has not been reported in the literature in individuals affected with KMT2D-related conditions. Invitae Evidence Modeling of protein sequence and biophysical properties (such as structural, functional, and spatial information, amino acid conservation, physicochemical variation, residue mobility, and thermodynamic stability) indicates that this missense variant is not expected to disrupt KMT2D protein function with a negative predictive value of 95%. In summary, the available evidence is currently insufficient to determine the role of this variant in disease. Therefore, it has been classified as a Variant of Uncertain Significance.

NM_003482.4(KMT2D):c.12137G>C (p.Gly4046Ala)

Gene: KMT2D (lysine methyltransferase 2D; minus strand). Cytogenetic location: 12q13.12.
Variant type: single nucleotide variant.
Coding change: c.12137G>C on transcript NM_003482.4 (MANE Select); coding-DNA position 12137, G replaced by C.
Protein change: p.Gly4046Ala; replaces glycine 4046 with alanine.
Molecular consequence: missense variant.
Genome position (GRCh38, 1-based): chr12:49,032,568, C>G on the plus strand (G>C on the coding strand, the complement: KMT2D is on the minus strand). VCF-style: chr12-49032568-C-G. GRCh37 (hg19) VCF-style: chr12-49426351-C-G.
Other names: short protein forms G4046A.
Identifiers: ClinVar variation 3635114 (VCV003635114.2).